The following is an entry in ClinVar:

NM_032119.4(ADGRV1):c.8351T>G (p.Val2784Gly)

Gene: ADGRV1 (adhesion G protein-coupled receptor V1; plus strand). Cytogenetic location: 5q14.3.
Variant type: single nucleotide variant.
Coding change: c.8351T>G on transcript NM_032119.4 (MANE Select); coding-DNA position 8351, T replaced by G.
Protein change: p.Val2784Gly; replaces valine 2784 with glycine.
Molecular consequence: missense variant. On other transcripts: non-coding transcript variant (1).
Genome position (GRCh38, 1-based): chr5:90,704,453, T>G. VCF-style: chr5-90704453-T-G. GRCh37 (hg19) VCF-style: chr5-90000270-T-G.
Other names: short protein forms V2784G.
Identifiers: ClinVar variation 1717735 (VCV001717735.5), dbSNP rs1230063727, ClinGen allele CA360389948.

ClinVar aggregate classification (germline): Uncertain significance (1 of 4 stars; one submission).

Submission:

Labcorp Genetics (formerly Invitae), Labcorp
Classification: Uncertain significance. Last evaluated: 2022-08-22. Review status: criteria provided, single submitter. Criteria: Invitae Variant Classification Sherloc (09022015). Collection method: clinical testing. Allele origin: germline.
Comment: This sequence change replaces valine, which is neutral and non-polar, with glycine, which is neutral and non-polar, at codon 2784 of the ADGRV1 protein (p.Val2784Gly). This variant is not present in population databases (gnomAD no frequency). This variant has not been reported in the literature in individuals affected with ADGRV1-related conditions. In summary, the available evidence is currently insufficient to determine the role of this variant in disease. Therefore, it has been classified as a Variant of Uncertain Significance. Algorithms developed to predict the effect of missense changes on protein structure and function (SIFT, PolyPhen-2, Align-GVGD) all suggest that this variant is likely to be tolerated.